The following is an entry in ClinVar:

ClinVar aggregate classification (germline): Likely benign (1 of 4 stars; one submission).

gnomAD v4.1: 10,712 of 471,808 alleles (2.3%); highest among the groups gnomAD compares: Admixed American, 6.8%; 218 homozygotes.

Submission:

GeneDx
Classification: Likely benign. Last evaluated: 2018-07-09. Review status: criteria provided, single submitter. Criteria: GeneDx Variant Classification Process June 2021. Collection method: clinical testing. Allele origin: germline. Affected: yes.
Comment: See Variant Classification Assertion Criteria.

NM_144691.4(CAPN12):c.*303A>T

Genes: ACTN4 (actinin alpha 4; plus strand), CAPN12 (calpain 12; minus strand). Cytogenetic location: 19q13.2.
Variant type: single nucleotide variant.
Coding change: c.*303A>T on transcript NM_144691.4 (MANE Select); 303 bases downstream of the stop codon, A replaced by T.
Molecular consequence: 3 prime UTR variant.
Genome position (GRCh38, 1-based): chr19:38,730,549, T>A on the plus strand (A>T on the coding strand, the complement: CAPN12 is on the minus strand). VCF-style: chr19-38730549-T-A. GRCh37 (hg19) VCF-style: chr19-39221189-T-A.
Other names: c.*1117T>A (NM_001322033.2, NM_001411143.1, NM_004924.6).
Identifiers: ClinVar variation 4795394 (VCV004795394.1).
Genomic context (GRCh38, chr19:38,730,549, plus strand): 5'-TCTGGGGACAGGATAATAAAACATGTAATATTTTTAAGAAGGATTCCTGCAGCATCATCT[T>A]TTTTTATTTCTCCTGTGTCTGTCCTCCACCTTCTAGGAGAGCCAGGGCAGAGCTAGCACT-3'